The following is an entry in ClinVar:

ClinVar aggregate classification (germline): Conflicting classifications of pathogenicity. Review status: criteria provided, conflicting classifications (1 of 4 stars). 2 submissions from 2 submitters: Uncertain significance (1); Likely benign (1). Last evaluated 2025-02-02.

Conditions:
RASopathy. Also called: Noonan spectrum disorder; rasopathies. Identifiers: Orphanet 536391, MedGen C5555857, MONDO:0021060.

gnomAD v4.1: 2 of 1,568,126 alleles (0.00013%); highest among the groups gnomAD compares: Non-Finnish European, 0.000087%; no homozygotes.

Submissions (2):

Labcorp Genetics (formerly Invitae), Labcorp
Classification: Likely benign for RASopathy. Last evaluated: 2025-02-02. Review status: criteria provided, single submitter. Criteria: Invitae Variant Classification Sherloc (09022015). Collection method: clinical testing. Allele origin: germline.

Women's Health and Genetics/Laboratory Corporation of America, LabCorp
Classification: Uncertain significance. Last evaluated: 2020-11-09. Review status: criteria provided, single submitter. Criteria: LabCorp Variant Classification Summary - May 2015. Collection method: clinical testing. Allele origin: germline.
Comment: Variant summary: MAP2K2 c.1047-6C>A alters a non-conserved nucleotide located close to a canonical splice site and therefore could affect mRNA splicing, leading to a significantly altered protein sequence. Several computational tools predict a significant impact on normal splicing: Two predict the variant abolishes a 3' acceptor site and one predicts the variant weakens a 3' acceptor site. However, these predictions have yet to be confirmed by functional studies. The variant was absent in 176898 control chromosomes (gnomAD). The available data on variant occurrences in the general population are insufficient to allow any conclusion about variant significance. To our knowledge, no occurrence of c.1047-6C>A in individuals affected with Cardiofaciocutaneous Syndrome and no experimental evidence demonstrating its impact on protein function have been reported. No clinical diagnostic laboratories have submitted clinical-significance assessments for this variant to ClinVar after 2014. Based on the evidence outlined above, the variant was classified as uncertain significance.

NM_030662.4(MAP2K2):c.1047-6C>A

Gene: MAP2K2 (mitogen-activated protein kinase kinase 2; minus strand). Cytogenetic location: 19p13.3.
Variant type: single nucleotide variant.
Coding change: c.1047-6C>A on transcript NM_030662.4 (MANE Select); 6 bases into the intron before coding-DNA position 1047, C replaced by A.
Molecular consequence: intron variant.
Genome position (GRCh38, 1-based): chr19:4,094,504, G>T on the plus strand (C>A on the coding strand, the complement: MAP2K2 is on the minus strand). VCF-style: chr19-4094504-G-T. GRCh37 (hg19) VCF-style: chr19-4094502-G-T.
Identifiers: ClinVar variation 987817 (VCV000987817.2), dbSNP rs774258077, ClinGen allele CA631537838.